The following is an entry in ClinVar:

ClinVar aggregate classification (germline): Uncertain significance (1 of 4 stars; one submission).

Conditions:
Retinoblastoma (RB1). Also called: RETINOBLASTOMA, SOMATIC. Identifiers: Orphanet 790, MedGen C0035335, MeSH D012175, MONDO:0008380, OMIM 180200, HP:0009919. Disease mechanism: loss of function. Inheritance: Both sporadic and heritable forms are tested..

Submission:

Labcorp Genetics (formerly Invitae), Labcorp
Classification: Uncertain significance for Retinoblastoma. Last evaluated: 2023-10-05. Review status: criteria provided, single submitter. Criteria: Invitae Variant Classification Sherloc (09022015). Collection method: clinical testing. Allele origin: germline.
Comment: This sequence change replaces lysine, which is basic and polar, with arginine, which is basic and polar, at codon 616 of the RB1 protein (p.Lys616Arg). This variant is not present in population databases (gnomAD no frequency). This variant has not been reported in the literature in individuals affected with RB1-related conditions. ClinVar contains an entry for this variant (Variation ID: 1719512). Advanced modeling of protein sequence and biophysical properties (such as structural, functional, and spatial information, amino acid conservation, physicochemical variation, residue mobility, and thermodynamic stability) performed at Invitae indicates that this missense variant is not expected to disrupt RB1 protein function. In summary, the available evidence is currently insufficient to determine the role of this variant in disease. Therefore, it has been classified as a Variant of Uncertain Significance.

NM_000321.3(RB1):c.1847A>G (p.Lys616Arg)

Gene: RB1 (RB transcriptional corepressor 1; plus strand). Cytogenetic location: 13q14.2.
Variant type: single nucleotide variant.
Coding change: c.1847A>G on transcript NM_000321.3 (MANE Select); coding-DNA position 1847, A replaced by G.
Protein change: p.Lys616Arg; replaces lysine 616 with arginine.
Molecular consequence: missense variant.
Genome position (GRCh38, 1-based): chr13:48,456,236, A>G. VCF-style: chr13-48456236-A-G. GRCh37 (hg19) VCF-style: chr13-49030372-A-G.
Other names: c.1847A>G, p.Lys616Arg (NM_001407165.1); short protein forms K616R.
Identifiers: ClinVar variation 1719512 (VCV001719512.5), dbSNP rs2542364014, ClinGen allele CA388165754.